The following is an entry in ClinVar:

NM_001204.7(BMPR2):c.2530C>G (p.Gln844Glu)

Gene: BMPR2 (bone morphogenetic protein receptor type 2; plus strand). Cytogenetic location: 2q33.2.
Variant type: single nucleotide variant.
Coding change: c.2530C>G on transcript NM_001204.7 (MANE Select); coding-DNA position 2530, C replaced by G.
Protein change: p.Gln844Glu; replaces glutamine 844 with glutamic acid.
Molecular consequence: missense variant.
Genome position (GRCh38, 1-based): chr2:202,556,195, C>G. VCF-style: chr2-202556195-C-G. GRCh37 (hg19) VCF-style: chr2-203420918-C-G.
Other names: short protein forms Q844E.
Identifiers: ClinVar variation 4214417 (VCV004214417.2).

ClinVar aggregate classification (germline): Conflicting classifications of pathogenicity. Review status: criteria provided, conflicting classifications (1 of 4 stars). 2 submissions from 2 submitters: Uncertain significance (1); Likely benign (1). Last evaluated 2025-07-29.

Conditions:
Primary pulmonary hypertension. Also called: Idiopathic pulmonary hypertension. Identifiers: MedGen C0152171.
Inborn genetic diseases. Identifiers: MedGen C0950123, MeSH D030342.

gnomAD v4.1: 2 of 1,611,410 alleles (0.00012%); highest among the groups gnomAD compares: Admixed American, 0.0017%; no homozygotes.

Submissions (2):

Labcorp Genetics (formerly Invitae), Labcorp
Classification: Likely benign for Primary pulmonary hypertension. Last evaluated: 2025-07-29. Review status: criteria provided, single submitter. Criteria: Invitae Variant Classification Sherloc (09022015). Collection method: clinical testing. Allele origin: germline.

Ambry Genetics
Classification: Uncertain significance for Inborn genetic diseases. Last evaluated: 2025-06-24. Review status: criteria provided, single submitter. Criteria: Ambry Variant Classification Scheme 2023. Collection method: clinical testing. Allele origin: germline.
Comment: The p.Q844E variant (also known as c.2530C>G), located in coding exon 12 of the BMPR2 gene, results from a C to G substitution at nucleotide position 2530. The glutamine at codon 844 is replaced by glutamic acid, an amino acid with highly similar properties. This amino acid position is conserved. In addition, the in silico prediction for this alteration is inconclusive. Based on the available evidence, the clinical significance of this variant remains unclear.